The following is an entry in ClinVar:

ClinVar aggregate classification (germline): Uncertain significance. Review status: criteria provided, multiple submitters, no conflicts (2 of 4 stars). 3 submissions from 3 submitters: Uncertain significance (3). Last evaluated 2023-09-29.

Conditions:
Fanconi anemia complementation group C (FANCC). Also called: Fanconi anemia, group C; FANCONI PANCYTOPENIA, TYPE 3; FACC; FANCC-Related Fanconi Anemia. Identifiers: Orphanet 84, MedGen C3468041, MONDO:0009213, OMIM 227645.
Hereditary cancer-predisposing syndrome. Also called: Neoplastic Syndromes, Hereditary; Tumor predisposition; Hereditary neoplastic syndrome; Hereditary Cancer Syndrome. Identifiers: Orphanet 140162, MedGen C0027672, MeSH D009386, MONDO:0015356.
Fanconi anemia (FA). Also called: Fanconi's anemia. Identifiers: Orphanet 84, MedGen C0015625, MeSH D005199, MONDO:0019391.

Allele frequency attached by ClinVar (database versions not stated): gnomAD exomes below 0.00001; gnomAD 0.00001; TOPMed 0.00002.
gnomAD v4.1: 4 of 1,613,910 alleles (0.00025%); highest among the groups gnomAD compares: Non-Finnish European, 0.00034%; no homozygotes.

Submissions (3):

Labcorp Genetics (formerly Invitae), Labcorp
Classification: Uncertain significance for Fanconi anemia. Last evaluated: 2023-09-29. Review status: criteria provided, single submitter. Criteria: Invitae Variant Classification Sherloc (09022015). Collection method: clinical testing. Allele origin: germline.
Comment: In summary, the available evidence is currently insufficient to determine the role of this variant in disease. Therefore, it has been classified as a Variant of Uncertain Significance. Advanced modeling of protein sequence and biophysical properties (such as structural, functional, and spatial information, amino acid conservation, physicochemical variation, residue mobility, and thermodynamic stability) performed at Invitae indicates that this missense variant is not expected to disrupt FANCC protein function. ClinVar contains an entry for this variant (Variation ID: 568353). This variant has not been reported in the literature in individuals affected with FANCC-related conditions. This variant is not present in population databases (gnomAD no frequency). This sequence change replaces methionine, which is neutral and non-polar, with threonine, which is neutral and polar, at codon 48 of the FANCC protein (p.Met48Thr).

Fulgent Genetics
Classification: Uncertain significance for Fanconi anemia complementation group C. Last evaluated: 2021-10-06. Review status: criteria provided, single submitter. Criteria: ACMG Guidelines, 2015. Collection method: clinical testing. Allele origin: unknown.

Ambry Genetics
Classification: Uncertain significance for Hereditary cancer-predisposing syndrome. Last evaluated: 2021-09-15. Review status: criteria provided, single submitter. Criteria: Ambry Variant Classification Scheme 2023. Collection method: clinical testing. Allele origin: germline.
Comment: The p.M48T variant (also known as c.143T>C), located in coding exon 1 of the FANCC gene, results from a T to C substitution at nucleotide position 143. The methionine at codon 48 is replaced by threonine, an amino acid with similar properties. This amino acid position is not well conserved in available vertebrate species. In addition, this alteration is predicted to be tolerated by in silico analysis. Since supporting evidence is limited at this time, the clinical significance of this alteration remains unclear.

NM_000136.3(FANCC):c.143T>C (p.Met48Thr)

Gene: FANCC (FA complementation group C; minus strand). Cytogenetic location: 9q22.32.
Variant type: single nucleotide variant.
Coding change: c.143T>C on transcript NM_000136.3 (MANE Select); coding-DNA position 143, T replaced by C.
Protein change: p.Met48Thr; replaces methionine 48 with threonine.
Molecular consequence: missense variant.
Genome position (GRCh38, 1-based): chr9:95,249,149, A>G on the plus strand (T>C on the coding strand, the complement: FANCC is on the minus strand). VCF-style: chr9-95249149-A-G. GRCh37 (hg19) VCF-style: chr9-98011431-A-G.
Other names: c.143T>C, p.Met48Thr (NM_001243743.2, NM_001243744.2); short protein forms M48T.
Identifiers: ClinVar variation 568353 (VCV000568353.11), dbSNP rs1353498563, ClinGen allele CA374340237.